The following is an entry in ClinVar:

ClinVar aggregate classification (germline): Likely benign. Review status: reviewed by expert panel (3 of 4 stars). 4 submissions from 4 submitters: Likely benign (1). 3 of the submissions do not count toward it. Last evaluated 2025-09-29.

Conditions:
AIPL1-related disorder. Also called: AIPL1-related disorders; AIPL1-related condition. Identifiers: MedGen CN239169.
AIPL1-related retinopathy. Also called: AIPL1 retinopathy. Identifiers: MedGen CN305590, MONDO:0100438.
Leber congenital amaurosis 4 (LCA4). Identifiers: MedGen C1858386, MONDO:0011458, OMIM 604393.

Allele frequency attached by ClinVar (database versions not stated): gnomAD exomes 0.00011 and 0.00020; ExAC 0.00031; 1000 Genomes Project 30x 0.00062; 1000 Genomes Project 0.00080; gnomAD 0.00114 and 0.00119; ESP Exome Variant Server 0.00123; TOPMed 0.00133.

Submissions (4):

ClinGen Leber Congenital Amaurosis/early Onset Retinal Dystrophy Variant Curation Expert Panel, ClinGen
Classification: Likely benign for AIPL1-related retinopathy. Last evaluated: 2025-09-29. Review status: reviewed by expert panel. Criteria: ClinGen LCAeoRD ACMG Specifications AIPL1 V1.0.0. Collection method: curation. Allele origin: germline. Inheritance: Autosomal recessive inheritance.
Comment: NM_014336.5(AIPL1):c.853G>A (p.Ala285Thr) is a missense variant in exon 6 of 6 that is predicted to replace alanine with threonine at amino acid 285. This variant is present in gnomAD v.4.1.0 at a GrpMax allele frequency of 0.003626, with 300 alleles / 75,042 total alleles in the African/African American population, which is higher than the ClinGen LCA/eoRD VCEP BS1 threshold of >0.00057 (BS1). The computational predictor REVEL gives a score of 0.422, which is below the ClinGen LCA/eoRD VCEP threshold of ≥0.644 for PP3 and above the threshold of <0.290 for BP4 and does not predict a damaging effect on AIPL1 protein function. Additionally, the splicing impact predictor SpliceAI gives a score of 0.00, which is below the ClinGen LCA/eoRD VCEP recommended threshold of ≥0.2 and does not strongly predict an impact on splicing. Neither PP3 nor BP4 is met. In summary, this variant meets the criteria to be classified as likely benign for AIPL1-related retinopathy based on the ACMG/AMP criteria applied, as specified by the ClinGen LCA/eoRD VCEP: BS1. (VCEP specifications version 1.0.0; date of approval 09/24/2025).

Blueprint Genetics
Classification: Likely benign. Last evaluated: 2023-11-20. Review status: criteria provided, single submitter. Criteria: ACMG Guidelines, 2015. Collection method: clinical testing. Allele origin: germline. Not counted in ClinVar's aggregate classification.

Labcorp Genetics (formerly Invitae), Labcorp
Classification: Benign for Leber congenital amaurosis 4. Last evaluated: 2019-12-31. Review status: criteria provided, single submitter. Criteria: Invitae Variant Classification Sherloc (09022015). Collection method: clinical testing. Allele origin: germline. Not counted in ClinVar's aggregate classification.

PreventionGenetics, part of Exact Sciences
Classification: Likely benign for AIPL1-related condition. Last evaluated: 2024-06-26. Review status: no assertion criteria provided. Collection method: clinical testing. Allele origin: germline. Not counted in ClinVar's aggregate classification.
Comment: This variant is classified as likely benign based on ACMG/AMP sequence variant interpretation guidelines (Richards et al. 2015 PMID: 25741868, with internal and published modifications).

NM_014336.5(AIPL1):c.853G>A (p.Ala285Thr)

Gene: AIPL1 (AIP like 1 HSP90 co-chaperone; minus strand). Cytogenetic location: 17p13.2.
Variant type: single nucleotide variant.
Coding change: c.853G>A on transcript NM_014336.5 (MANE Select); coding-DNA position 853, G replaced by A.
Protein change: p.Ala285Thr; replaces alanine 285 with threonine.
Molecular consequence: missense variant. On other transcripts: 3 prime UTR variant (1).
Genome position (GRCh38, 1-based): chr17:6,425,762, C>T on the plus strand (G>A on the coding strand, the complement: AIPL1 is on the minus strand). VCF-style: chr17-6425762-C-T. GRCh37 (hg19) VCF-style: chr17-6329082-C-T.
Other names: NM_014336.5(AIPL1):c.853G>A; p.Ala285Thr; c.664G>A, p.Ala222Thr (NM_001033054.3); c.673G>A, p.Ala225Thr (NM_001033055.3); c.817G>A, p.Ala273Thr (NM_001285399.3); c.787G>A, p.Ala263Thr (NM_001285400.3); c.781G>A, p.Ala261Thr (NM_001285401.3); c.736G>A, p.Ala246Thr (NM_001285402.2); and 1 more; short protein forms A246T, A225T, A261T, A273T, A285T, A222T, A263T.
Identifiers: ClinVar variation 715081 (VCV000715081.6), dbSNP rs145430356, ClinGen allele CA8328369.
Genomic context (GRCh38, chr17:6,425,762, plus strand): 5'-GCTCCCTGCGCACCGCCTTCTGCATGGACGGCTCCAGCTCCAGCACTTTCTGGAGGTCCG[C>T]CTTGGCCTCGGCCTCATTCCACACCTCTGCGTGAGCCCGGGCACGCACGTAGTAGGCCTT-3'
Protein context (NP_055151.3, residues 275-295): AEVWNEAEAK[Ala285Thr]DLQKVLELEP